The following is an entry in ClinVar:

NM_152296.5(ATP1A3):c.3013G>A (p.Gly1005Ser)

Gene: ATP1A3 (ATPase Na+/K+ transporting subunit alpha 3; minus strand). Cytogenetic location: 19q13.2.
Variant type: single nucleotide variant.
Coding change: c.3013G>A on transcript NM_152296.5 (MANE Select); coding-DNA position 3013, G replaced by A.
Protein change: p.Gly1005Ser; replaces glycine 1005 with serine.
Molecular consequence: missense variant.
Genome position (GRCh38, 1-based): chr19:41,967,249, C>T on the plus strand (G>A on the coding strand, the complement: ATP1A3 is on the minus strand). VCF-style: chr19-41967249-C-T. GRCh37 (hg19) VCF-style: chr19-42471401-C-T.
Other names: c.3046G>A, p.Gly1016Ser (NM_001256213.2); c.3052G>A, p.Gly1018Ser (NM_001256214.2); short protein forms G1005S, G1016S, G1018S.
Identifiers: ClinVar variation 4282121 (VCV004282121.1).
Genomic context (GRCh38, chr19:41,967,249, plus strand): 5'-CAGCTGCCTGAGACCCTGCTGCCCCCCGCCCCCCTCGGCTGCCTTGCCGAGCTCCCTCAC[C>T]CCCTGGGTTCCTGCGCAGGATGAGTTTGCGGATTTCGTCGTAGACGAAGATGAGGAAACT-3'
Protein context (NP_689509.1, residues 995-1013): RKLILRRNPG[Gly1005Ser]WVEKETYY

ClinVar aggregate classification (germline): Uncertain significance (1 of 4 stars; one submission).

Submission:

GeneDx
Classification: Uncertain significance. Last evaluated: 2025-04-16. Review status: criteria provided, single submitter. Criteria: GeneDx Variant Classification Process June 2021. Collection method: clinical testing. Allele origin: germline. Affected: yes.
Comment: Not observed at significant frequency in large population cohorts (gnomAD); In silico analysis indicates that this missense variant does not alter protein structure/function; In silico analysis is inconclusive as to whether the variant alters gene splicing. In the absence of RNA/functional studies, the actual effect of this sequence change is unknown.; Has not been previously published as pathogenic or benign to our knowledge